The following is an entry in ClinVar:

NM_015102.5(NPHP4):c.4175A>G (p.Gln1392Arg)

Gene: NPHP4 (nephrocystin 4; minus strand). Cytogenetic location: 1p36.31.
Variant type: single nucleotide variant.
Coding change: c.4175A>G on transcript NM_015102.5 (MANE Select); coding-DNA position 4175, A replaced by G.
Protein change: p.Gln1392Arg; replaces glutamine 1392 with arginine.
Molecular consequence: missense variant. On other transcripts: non-coding transcript variant (1).
Genome position (GRCh38, 1-based): chr1:5,863,371, T>C on the plus strand (A>G on the coding strand, the complement: NPHP4 is on the minus strand). VCF-style: chr1-5863371-T-C. GRCh37 (hg19) VCF-style: chr1-5923431-T-C.
Other names: c.2636A>G, p.Gln879Arg (NM_001291593.2); c.2639A>G, p.Gln880Arg (NM_001291594.2); c.4175A>G (NM_015102.3); short protein forms Q879R, Q880R, Q1392R.
Identifiers: ClinVar variation 2145248 (VCV002145248.5), dbSNP rs369759221, ClinGen allele CA553306.

ClinVar aggregate classification (germline): Conflicting classifications of pathogenicity. Review status: criteria provided, conflicting classifications (1 of 4 stars). 2 submissions from 2 submitters: Uncertain significance (1); Likely benign (1). Last evaluated 2023-05-17.

Conditions:
Inborn genetic diseases. Identifiers: MedGen C0950123, MeSH D030342.
Nephronophthisis. Also called: Juvenile Nephronophthisis. Identifiers: Orphanet 655, MedGen C0687120, MONDO:0019005, HP:0000090.

Allele frequency attached by ClinVar (database versions not stated): ExAC 0.00002; gnomAD 0.00002; gnomAD exomes 0.00002; TOPMed 0.00003; ESP Exome Variant Server 0.00008.
gnomAD v4.1: 36 of 1,613,878 alleles (0.0022%); highest among the groups gnomAD compares: Non-Finnish European, 0.0031%; no homozygotes.

Submissions (2):

Ambry Genetics
Classification: Likely benign for Inborn genetic diseases. Last evaluated: 2023-05-17. Review status: criteria provided, single submitter. Criteria: Ambry Variant Classification Scheme 2023. Collection method: clinical testing. Allele origin: germline.

Labcorp Genetics (formerly Invitae), Labcorp
Classification: Uncertain significance for Nephronophthisis. Last evaluated: 2022-03-02. Review status: criteria provided, single submitter. Criteria: Invitae Variant Classification Sherloc (09022015). Collection method: clinical testing. Allele origin: germline.
Comment: This sequence change replaces glutamine, which is neutral and polar, with arginine, which is basic and polar, at codon 1392 of the NPHP4 protein (p.Gln1392Arg). This variant is present in population databases (rs369759221, gnomAD 0.002%). This variant has not been reported in the literature in individuals affected with NPHP4-related conditions. Algorithms developed to predict the effect of missense changes on protein structure and function output the following: SIFT: "Tolerated"; PolyPhen-2: "Benign"; Align-GVGD: "Class C0". The arginine amino acid residue is found in multiple mammalian species, which suggests that this missense change does not adversely affect protein function. Algorithms developed to predict the effect of sequence changes on RNA splicing suggest that this variant may disrupt the consensus splice site. In summary, the available evidence is currently insufficient to determine the role of this variant in disease. Therefore, it has been classified as a Variant of Uncertain Significance.